The following is an entry in ClinVar:

ClinVar aggregate classification (germline): Benign/Likely benign. Review status: criteria provided, multiple submitters, no conflicts (2 of 4 stars). 3 submissions from 3 submitters: Benign (2); Likely benign (1). Last evaluated 2025-05-01.

Allele frequency attached by ClinVar (database versions not stated): ESP Exome Variant Server 0.00008; gnomAD exomes 0.00028 and 0.00107; gnomAD 0.00050 and 0.00064; TOPMed 0.00055; ExAC 0.00097; 1000 Genomes Project 0.00300; 1000 Genomes Project 30x 0.00312.

Submissions (3):

CeGaT Center for Human Genetics Tuebingen
Classification: Likely benign. Last evaluated: 2025-05-01. Review status: criteria provided, single submitter. Criteria: CeGaT Center For Human Genetics Tuebingen Variant Classification Criteria Version 2. Collection method: clinical testing. Allele origin: germline. Affected: yes. Observed: 1 variant allele.
Comment: KDM5A: BS1

Labcorp Genetics (formerly Invitae), Labcorp
Classification: Benign. Last evaluated: 2018-09-19. Review status: criteria provided, single submitter. Criteria: Invitae Variant Classification Sherloc (09022015). Collection method: clinical testing. Allele origin: germline.

Breakthrough Genomics
Classification: Benign. Review status: criteria provided, single submitter. Criteria: ACMG Guidelines, 2015. Collection method: not provided. Allele origin: germline. Inheritance: Unknown mechanism. Affected: yes.

NM_001042603.3(KDM5A):c.1897G>A (p.Ala633Thr)

Gene: KDM5A (lysine demethylase 5A; minus strand). Cytogenetic location: 12p13.33.
Variant type: single nucleotide variant.
Coding change: c.1897G>A on transcript NM_001042603.3 (MANE Select); coding-DNA position 1897, G replaced by A.
Protein change: p.Ala633Thr; replaces alanine 633 with threonine.
Molecular consequence: missense variant.
Genome position (GRCh38, 1-based): chr12:328,906, C>T on the plus strand (G>A on the coding strand, the complement: KDM5A is on the minus strand). VCF-style: chr12-328906-C-T. GRCh37 (hg19) VCF-style: chr12-438072-C-T.
Other names: short protein forms A633T.
Identifiers: ClinVar variation 773830 (VCV000773830.14), dbSNP rs139848270, ClinGen allele CA6379218.